The following is an entry in ClinVar:

ClinVar aggregate classification (germline): Uncertain significance (1 of 4 stars; one submission).

Conditions:
Inborn genetic diseases. Identifiers: MedGen C0950123, MeSH D030342.

Allele frequency attached by ClinVar (database versions not stated): gnomAD exomes below 0.00001.
gnomAD v4.1: 2 of 1,614,088 alleles (0.00012%); highest among the groups gnomAD compares: Non-Finnish European, 0.000085%; no homozygotes.

Submission:

Ambry Genetics
Classification: Uncertain significance for Inborn genetic diseases. Last evaluated: 2021-08-15. Review status: criteria provided, single submitter. Criteria: Ambry Variant Classification Scheme 2023. Collection method: clinical testing. Allele origin: germline.
Comment: The p.Y253F variant (also known as c.758A>T), located in coding exon 8 of the MDH2 gene, results from an A to T substitution at nucleotide position 758. The tyrosine at codon 253 is replaced by phenylalanine, an amino acid with highly similar properties. This amino acid position is conserved. In addition, the in silico prediction for this alteration is inconclusive. Since supporting evidence is limited at this time, the clinical significance of this alteration remains unclear.

NM_005918.4(MDH2):c.758A>T (p.Tyr253Phe)

Gene: MDH2 (malate dehydrogenase 2; plus strand). Cytogenetic location: 7q11.23.
Variant type: single nucleotide variant.
Coding change: c.758A>T on transcript NM_005918.4 (MANE Select); coding-DNA position 758, A replaced by T.
Protein change: p.Tyr253Phe; replaces tyrosine 253 with phenylalanine.
Molecular consequence: missense variant.
Genome position (GRCh38, 1-based): chr7:76,064,826, A>T. VCF-style: chr7-76064826-A-T. GRCh37 (hg19) VCF-style: chr7-75694144-A-T.
Other names: c.632A>T, p.Tyr211Phe (NM_001282403.2); c.437A>T, p.Tyr146Phe (NM_001282404.2); short protein forms Y146F, Y253F, Y211F.
Identifiers: ClinVar variation 1759648 (VCV001759648.2), dbSNP rs1554587587, ClinGen allele CA367768033.